The following is an entry in ClinVar:

ClinVar aggregate classification (germline): Likely pathogenic (1 of 4 stars; one submission).

Conditions:
Cardiovascular phenotype. Identifiers: MedGen CN230736.

Submission:

Ambry Genetics
Classification: Likely pathogenic for Cardiovascular phenotype. Last evaluated: 2024-07-25. Review status: criteria provided, single submitter. Criteria: Ambry Variant Classification Scheme 2023. Collection method: clinical testing. Allele origin: germline.
Comment: The p.Q16195* variant (also known as c.48583C>T), located in coding exon 153 of the TTN gene, results from a C to T substitution at nucleotide position 48583. This changes the amino acid from a glutamine to a stop codon within coding exon 153. This exon is located in the A-band region of the N2-B isoform of the titin protein and is constitutively expressed in TTN transcripts (percent spliced in or PSI 100%). This variant is considered to be rare based on population cohorts in the Genome Aggregation Database (gnomAD). This alteration is expected to result in loss of function by premature protein truncation or nonsense-mediated mRNA decay. While truncating variants in TTN are present in 1-3% of the general population, truncating variants in the A-band are the most common cause of dilated cardiomyopathy (DCM) (Herman DS et al. N. Engl. J. Med., 2012 Feb;366:619-28; Roberts AM et al. Sci Transl Med, 2015 Jan;7:270ra6). TTN truncating variants encoded in constitutive exons (PSI >90%) have been found to be significantly associated with DCM regardless of their position in titin (Schafer S et al. Nat. Genet., 2017 01;49:46-53). Based on the majority of available evidence to date, this variant is likely to be pathogenic.

NM_001267550.2(TTN):c.75778C>T (p.Gln25260Ter)

Genes: TTN (titin; minus strand), TTN-AS1 (TTN antisense RNA 1; plus strand). Cytogenetic location: 2q31.2.
Variant type: single nucleotide variant.
Coding change: c.75778C>T on transcript NM_001267550.2 (MANE Select); coding-DNA position 75778, C replaced by T.
Protein change: p.Gln25260Ter; replaces glutamine 25260 with a stop codon.
Molecular consequence: nonsense.
Genome position (GRCh38, 1-based): chr2:178,570,354, G>A on the plus strand (C>T on the coding strand, the complement: TTN is on the minus strand). VCF-style: chr2-178570354-G-A. GRCh37 (hg19) VCF-style: chr2-179435081-G-A.
Other names: c.70855C>T, p.Gln23619Ter (NM_001256850.1); c.48583C>T, p.Gln16195Ter (NM_003319.4); c.68074C>T, p.Gln22692Ter (NM_133378.4); c.48958C>T, p.Gln16320Ter (NM_133432.3); c.49159C>T, p.Gln16387Ter (NM_133437.4); short protein forms Q16320*, Q25260*, Q16195*, Q23619*, Q22692*, Q16387*.
Identifiers: ClinVar variation 3463737 (VCV003463737.1).
Genomic context (GRCh38, chr2:178,570,354, plus strand): 5'-TTATACGGAAAGTATATTCATTGCCTTCAAGAAGCTTAGTAACCTTGCAGCTGAGAGTCT[G>A]CACATTGGCATCAACCACAGTCCAAACTAAGCGGCTGGTTTCTCTCCTTTCCACAATATA-3'